The following is an entry in ClinVar:

ClinVar aggregate classification (germline): Conflicting classifications of pathogenicity. Review status: criteria provided, conflicting classifications (1 of 4 stars). 2 submissions from 2 submitters: Uncertain significance (1); Likely benign (1). Last evaluated 2025-07-24.

Conditions:
Nephrolithiasis/nephrocalcinosis. Identifiers: MedGen CN580796.

Allele frequency attached by ClinVar (database versions not stated): gnomAD exomes 0.00002 and 0.00008; TOPMed 0.00008; gnomAD 0.00009 and 0.00010; ExAC 0.00011.

Submissions (2):

Ambry Genetics
Classification: Uncertain significance for Nephrolithiasis/nephrocalcinosis. Last evaluated: 2025-07-24. Review status: criteria provided, single submitter. Criteria: Ambry Variant Classification Scheme 2023. Collection method: clinical testing. Allele origin: germline.
Comment: The p.P127L variant (also known as c.380C>T), located in coding exon 4 of the GRHPR gene, results from a C to T substitution at nucleotide position 380. The proline at codon 127 is replaced by leucine, an amino acid with similar properties. This amino acid position is conserved. In addition, the in silico prediction for this alteration is inconclusive. Based on the available evidence, the clinical significance of this variant remains unclear.

Labcorp Genetics (formerly Invitae), Labcorp
Classification: Likely benign. Last evaluated: 2024-10-24. Review status: criteria provided, single submitter. Criteria: Invitae Variant Classification Sherloc (09022015). Collection method: clinical testing. Allele origin: germline.

NM_012203.2(GRHPR):c.380C>T (p.Pro127Leu)

Gene: GRHPR (glyoxylate and hydroxypyruvate reductase; plus strand). Cytogenetic location: 9p13.2.
Variant type: single nucleotide variant.
Coding change: c.380C>T on transcript NM_012203.2 (MANE Select); coding-DNA position 380, C replaced by T.
Protein change: p.Pro127Leu; replaces proline 127 with leucine.
Molecular consequence: missense variant.
Genome position (GRCh38, 1-based): chr9:37,426,630, C>T. VCF-style: chr9-37426630-C-T. GRCh37 (hg19) VCF-style: chr9-37426627-C-T.
Other names: c.380C>T (NM_012203.1); short protein forms P127L.
Identifiers: ClinVar variation 1115852 (VCV001115852.11), dbSNP rs763052360, ClinGen allele CA5059023.